The following is an entry in ClinVar:

ClinVar aggregate classification (germline): Likely benign (0 of 4 stars; one submission).

Conditions:
DNAH10-related disorder. Also called: DNAH10-related condition.

gnomAD v4.1: 103 of 1,613,716 alleles (0.0064%); highest among the groups gnomAD compares: Middle Eastern, 0.066%; no homozygotes.

Submission:

PreventionGenetics, part of Exact Sciences
Classification: Likely benign for DNAH10-related condition. Last evaluated: 2019-05-20. Review status: no assertion criteria provided. Collection method: clinical testing. Allele origin: germline.
Comment: This variant is classified as likely benign based on ACMG/AMP sequence variant interpretation guidelines (Richards et al. 2015 PMID: 25741868, with internal and published modifications).

NM_001372106.1(DNAH10):c.4929C>T (p.Pro1643=)

Gene: DNAH10 (dynein axonemal heavy chain 10; plus strand). Cytogenetic location: 12q24.31.
Variant type: single nucleotide variant.
Coding change: c.4929C>T on transcript NM_001372106.1 (MANE Select); coding-DNA position 4929, C replaced by T.
Protein change: p.Pro1643=; no amino-acid change (proline 1643 retained).
Molecular consequence: synonymous variant.
Genome position (GRCh38, 1-based): chr12:123,838,482, C>T. VCF-style: chr12-123838482-C-T. GRCh37 (hg19) VCF-style: chr12-124323029-C-T.
Other names: c.4575C>T, p.Pro1525= (NM_001083900.1, NM_207437.3).
Identifiers: ClinVar variation 3039498 (VCV003039498.2), dbSNP rs58292766, ClinGen allele CA6863706.